The following is an entry in ClinVar:

ClinVar aggregate classification (germline): Likely benign (1 of 4 stars; one submission).

gnomAD v4.1: 3 of 1,613,832 alleles (0.00019%); highest among the groups gnomAD compares: African/African-American, 0.0027%; no homozygotes.

Submission:

CeGaT Center for Human Genetics Tuebingen
Classification: Likely benign. Last evaluated: 2026-04-01. Review status: criteria provided, single submitter. Criteria: CeGaT Center For Human Genetics Tuebingen Variant Classification Criteria Version 2. Collection method: clinical testing. Allele origin: germline. Affected: yes. Observed: 1 variant allele.
Comment: DTNA: BP4, BP7

NM_001386795.1(DTNA):c.414A>G (p.Thr138=)

Gene: DTNA (dystrobrevin alpha; plus strand). Cytogenetic location: 18q12.1.
Variant type: single nucleotide variant.
Coding change: c.414A>G on transcript NM_001386795.1 (MANE Select); coding-DNA position 414, A replaced by G.
Protein change: p.Thr138=; no amino-acid change (threonine 138 retained).
Molecular consequence: synonymous variant.
Genome position (GRCh38, 1-based): chr18:34,806,270, A>G. VCF-style: chr18-34806270-A-G. GRCh37 (hg19) VCF-style: chr18-32386234-A-G.
Other names: c.414A>G, p.Thr138= (NM_001128175.2, NM_001198938.2, NM_001198939.2 and 35 more transcripts).
Identifiers: ClinVar variation 4873284 (VCV004873284.2).